The following is an entry in ClinVar:

NM_004606.5(TAF1):c.5390G>A (p.Ser1797Asn)

Gene: TAF1 (TATA-box binding protein associated factor 1; plus strand). Cytogenetic location: Xq13.1.
Variant type: single nucleotide variant.
Coding change: c.5390G>A on transcript NM_004606.5 (MANE Select); coding-DNA position 5390, G replaced by A.
Protein change: p.Ser1797Asn; replaces serine 1797 with asparagine.
Molecular consequence: missense variant. On other transcripts: non-coding transcript variant (9).
Genome position (GRCh38, 1-based): chrX:71,460,794, G>A. VCF-style: chrX-71460794-G-A. GRCh37 (hg19) VCF-style: chrX-70680644-G-A.
Other names: c.5396G>A, p.Ser1799Asn (NM_001286074.2); c.5327G>A, p.Ser1776Asn (NM_138923.4); c.5450G>A (NM_004606.3); short protein forms S1797N, S1799N, S1776N.
Identifiers: ClinVar variation 2137890 (VCV002137890.5), dbSNP rs1281342775, ClinGen allele CA413530161.

ClinVar aggregate classification (germline): Uncertain significance. Review status: criteria provided, multiple submitters, no conflicts (2 of 4 stars). 2 submissions from 2 submitters: Uncertain significance (2). Last evaluated 2025-12-10.

Conditions:
Inborn genetic diseases. Identifiers: MedGen C0950123, MeSH D030342.

Allele frequency attached by ClinVar (database versions not stated): gnomAD exomes below 0.00001; TOPMed 0.00002; gnomAD 0.00004.
gnomAD v4.1: 5 of 1,184,560 alleles (0.00042%); highest among the groups gnomAD compares: African/African-American, 0.0071%; no homozygotes.

Submissions (2):

Ambry Genetics
Classification: Uncertain significance for Inborn genetic diseases. Last evaluated: 2025-12-10. Review status: criteria provided, single submitter. Criteria: Ambry Variant Classification Scheme 2023. Collection method: clinical testing. Allele origin: germline.

Labcorp Genetics (formerly Invitae), Labcorp
Classification: Uncertain significance. Last evaluated: 2022-09-27. Review status: criteria provided, single submitter. Criteria: Invitae Variant Classification Sherloc (09022015). Collection method: clinical testing. Allele origin: germline.
Comment: In summary, the available evidence is currently insufficient to determine the role of this variant in disease. Therefore, it has been classified as a Variant of Uncertain Significance. Algorithms developed to predict the effect of missense changes on protein structure and function are either unavailable or do not agree on the potential impact of this missense change (SIFT: "Tolerated"; PolyPhen-2: "Probably Damaging"; Align-GVGD: "Class C0"). This variant has not been reported in the literature in individuals affected with TAF1-related conditions. The frequency data for this variant in the population databases is considered unreliable, as metrics indicate poor data quality at this position in the gnomAD database. This sequence change replaces serine, which is neutral and polar, with asparagine, which is neutral and polar, at codon 1817 of the TAF1 protein (p.Ser1817Asn).